The following is an entry in ClinVar:

NM_014014.5(SNRNP200):c.3824G>A (p.Trp1275Ter)

Gene: SNRNP200 (small nuclear ribonucleoprotein U5 subunit 200; minus strand). Cytogenetic location: 2q11.2.
Variant type: single nucleotide variant.
Coding change: c.3824G>A on transcript NM_014014.5 (MANE Select); coding-DNA position 3824, G replaced by A.
Protein change: p.Trp1275Ter; replaces tryptophan 1275 with a stop codon.
Molecular consequence: nonsense.
Genome position (GRCh38, 1-based): chr2:96,286,693, C>T on the plus strand (G>A on the coding strand, the complement: SNRNP200 is on the minus strand). VCF-style: chr2-96286693-C-T. GRCh37 (hg19) VCF-style: chr2-96952431-C-T.
Other names: short protein forms W1275*.
Identifiers: ClinVar variation 955454 (VCV000955454.7), dbSNP rs2063845804, ClinGen allele CA347671121.

ClinVar aggregate classification (germline): Uncertain significance (1 of 4 stars; one submission).

Submission:

Labcorp Genetics (formerly Invitae), Labcorp
Classification: Uncertain significance. Last evaluated: 2019-10-16. Review status: criteria provided, single submitter. Criteria: Invitae Variant Classification Sherloc (09022015). Collection method: clinical testing. Allele origin: germline.
Comment: This variant is not present in population databases (ExAC no frequency). This variant has not been reported in the literature in individuals with SNRNP200-related conditions. Algorithms developed to predict the effect of sequence changes on RNA splicing suggest that this variant may create or strengthen a splice site, but this prediction has not been confirmed by published transcriptional studies. The current clinical and genetic evidence is not sufficient to establish whether loss-of-function variants in SNRNP200 cause disease. In summary, the available evidence is currently insufficient to determine the role of this variant in disease. Therefore, it has been classified as a Variant of Uncertain Significance. This sequence change creates a premature translational stop signal (p.Trp1275*) in the SNRNP200 gene. It is expected to result in an absent or disrupted protein product.